The following is an entry in ClinVar:

NM_005220.3(DLX3):c.*1016G>C

Gene: DLX3 (distal-less homeobox 3; minus strand). Cytogenetic location: 17q21.33.
Variant type: single nucleotide variant.
Coding change: c.*1016G>C on transcript NM_005220.3 (MANE Select); 1016 bases downstream of the stop codon, G replaced by C.
Molecular consequence: 3 prime UTR variant.
Genome position (GRCh38, 1-based): chr17:49,990,501, C>G on the plus strand (G>C on the coding strand, the complement: DLX3 is on the minus strand). VCF-style: chr17-49990501-C-G. GRCh37 (hg19) VCF-style: chr17-48067865-C-G.
Identifiers: ClinVar variation 324010 (VCV000324010.6), dbSNP rs74607282, ClinGen allele CA10640027.

ClinVar aggregate classification (germline): Benign. Review status: criteria provided, multiple submitters, no conflicts (2 of 4 stars). 2 submissions from 2 submitters: Benign (2). Last evaluated 2018-01-13.

Conditions:
Hypomaturation-hypoplastic amelogenesis imperfecta with taurodontism. Also called: Amelogenesis imperfecta, type IV. Identifiers: Orphanet 100034, Orphanet 88661, MedGen C1863012, MONDO:0007093, OMIM 104510. Disease mechanism: loss of function.

Allele frequency attached by ClinVar (database versions not stated): gnomAD exomes 0.01522; gnomAD 0.06204 and 0.06605; TOPMed 0.07276; 1000 Genomes Project 30x 0.11649; 1000 Genomes Project 0.11841.
gnomAD v4.1: 9,955 of 152,510 alleles (6.5%); highest among the groups gnomAD compares: East Asian, 16%; 496 homozygotes.

Submissions (2):

Illumina Laboratory Services, Illumina
Classification: Benign for Hypomaturation-hypoplastic amelogenesis imperfecta with taurodontism. Last evaluated: 2018-01-13. Review status: criteria provided, single submitter. Criteria: ICSL Variant Classification Criteria 13 December 2019. Collection method: clinical testing. Allele origin: germline.
Comment: This variant was observed in the ICSL laboratory as part of a predisposition screen in an ostensibly healthy population. It had not been previously curated by ICSL or reported in the Human Gene Mutation Database (HGMD: prior to June 1st, 2018), and was therefore a candidate for classification through an automated scoring system. Utilizing variant allele frequency, disease prevalence and penetrance estimates, and inheritance mode, an automated score was calculated to assess if this variant is too frequent to cause the disease. Based on the score and internal cut-off values, a variant classified as benign is not then subjected to further curation. The score for this variant resulted in a classification of benign for this disease.

Breakthrough Genomics
Classification: Benign. Review status: criteria provided, single submitter. Criteria: ACMG Guidelines, 2015. Collection method: not provided. Allele origin: germline. Inheritance: Autosomal dominant inheritance. Affected: yes.